The following is an entry in ClinVar:

ClinVar aggregate classification (germline): Uncertain significance (1 of 4 stars; one submission).

Submission:

Labcorp Genetics (formerly Invitae), Labcorp
Classification: Uncertain significance. Last evaluated: 2025-02-17. Review status: criteria provided, single submitter. Criteria: Invitae Variant Classification Sherloc (09022015). Collection method: clinical testing. Allele origin: germline.
Comment: This sequence change replaces aspartic acid, which is acidic and polar, with glutamic acid, which is acidic and polar, at codon 2563 of the DMXL2 protein (p.Asp2563Glu). This variant is not present in population databases (gnomAD no frequency). This variant has not been reported in the literature in individuals affected with DMXL2-related conditions. ClinVar contains an entry for this variant (Variation ID: 1998285). An algorithm developed to predict the effect of missense changes on protein structure and function (PolyPhen-2) suggests that this variant is likely to be disruptive. In summary, the available evidence is currently insufficient to determine the role of this variant in disease. Therefore, it has been classified as a Variant of Uncertain Significance.

NM_001378457.1(DMXL2):c.7689T>G (p.Asp2563Glu)

Gene: DMXL2 (Dmx like 2; minus strand). Cytogenetic location: 15q21.2.
Variant type: single nucleotide variant.
Coding change: c.7689T>G on transcript NM_001378457.1 (MANE Select); coding-DNA position 7689, T replaced by G.
Protein change: p.Asp2563Glu; replaces aspartic acid 2563 with glutamic acid.
Molecular consequence: missense variant. On other transcripts: non-coding transcript variant (1), intron variant (2).
Genome position (GRCh38, 1-based): chr15:51,464,794, A>C on the plus strand (T>G on the coding strand, the complement: DMXL2 is on the minus strand). VCF-style: chr15-51464794-A-C. GRCh37 (hg19) VCF-style: chr15-51756991-A-C.
Other names: c.7689T>G, p.Asp2563Glu (NM_001174116.3, NM_001378461.1); c.5778T>G, p.Asp1926Glu (NM_001174117.3); c.7686T>G, p.Asp2562Glu (NM_001378458.1, NM_001378462.1, NM_015263.5); c.5667T>G, p.Asp1889Glu (NM_001378460.1); c.7446T>G, p.Asp2482Glu (NM_001378464.1); c.7521-1298T>G (NM_001378459.1); c.7606+772T>G (NM_001378463.1); short protein forms D2563E, D2482E, D2562E, D1889E, D1926E.
Identifiers: ClinVar variation 1998285 (VCV001998285.4), dbSNP rs2543069703, ClinGen allele CA392438975.